The following is an entry in ClinVar:

ClinVar aggregate classification (germline): Likely benign (1 of 4 stars; one submission).

Allele frequency attached by ClinVar (database versions not stated): TOPMed 0.00001; gnomAD 0.00002; gnomAD exomes 0.00002; ExAC 0.00001.
gnomAD v4.1: 37 of 1,613,778 alleles (0.0023%); highest among the groups gnomAD compares: Non-Finnish European, 0.0031%; no homozygotes.

Submission:

CeGaT Center for Human Genetics Tuebingen
Classification: Likely benign. Last evaluated: 2024-02-01. Review status: criteria provided, single submitter. Criteria: CeGaT Center For Human Genetics Tuebingen Variant Classification Criteria Version 2. Collection method: clinical testing. Allele origin: germline. Affected: yes. Observed: 1 variant allele.
Comment: DST: BP4, BP7

NM_001374736.1(DST):c.579G>T (p.Gly193=)

Genes: DST (dystonin; minus strand), DST-AS1 (DST antisense RNA 1; plus strand). Cytogenetic location: 6p12.1.
Variant type: single nucleotide variant.
Coding change: c.579G>T on transcript NM_001374736.1 (MANE Select); coding-DNA position 579, G replaced by T.
Protein change: p.Gly193=; no amino-acid change (glycine 193 retained).
Molecular consequence: synonymous variant.
Genome position (GRCh38, 1-based): chr6:56,851,443, C>A on the plus strand (G>T on the coding strand, the complement: DST is on the minus strand). VCF-style: chr6-56851443-C-A. GRCh37 (hg19) VCF-style: chr6-56716241-C-A.
Other names: c.579G>T, p.Gly193= (NM_001144769.5, NM_001374722.1); c.165G>T, p.Gly55= (NM_001144770.2); c.606G>T, p.Gly202= (NM_001374734.1).
Identifiers: ClinVar variation 3026293 (VCV003026293.22), dbSNP rs754091236, ClinGen allele CA3871952.